The following is an entry in ClinVar:

ClinVar aggregate classification (germline): Pathogenic. Review status: criteria provided, single submitter (1 of 4 stars). 2 submissions from 2 submitters: Pathogenic (1). 1 of the submissions does not count toward it. Last evaluated 2025-03-22.

Conditions:
Autosomal recessive osteopetrosis 8. Identifiers: Orphanet 667, MedGen C3554478, MONDO:0014040, OMIM 615085.

Allele frequency attached by ClinVar (database versions not stated): TOPMed 0.00001; gnomAD exomes 0.00002 and 0.00001; ExAC 0.00005; gnomAD 0.00001.
gnomAD v4.1: 14 of 1,612,176 alleles (0.00087%); highest among the groups gnomAD compares: East Asian, 0.0045%; no homozygotes.

Submissions (2):

Labcorp Genetics (formerly Invitae), Labcorp
Classification: Pathogenic. Last evaluated: 2025-03-22. Review status: criteria provided, single submitter. Criteria: Invitae Variant Classification Sherloc (09022015). Collection method: clinical testing. Allele origin: germline.
Comment: This sequence change creates a premature translational stop signal (p.Arg16*) in the SNX10 gene. It is expected to result in an absent or disrupted protein product. Loss-of-function variants in SNX10 are known to be pathogenic (PMID: 23123320, 23280965, 25811986). This variant is present in population databases (rs587777490, gnomAD 0.005%). This premature translational stop signal has been observed in individuals with infantile osteopetrosis (PMID: 23123320, 23280965). ClinVar contains an entry for this variant (Variation ID: 139565). Algorithms developed to predict the effect of sequence changes on RNA splicing suggest that this variant may disrupt the consensus splice site. For these reasons, this variant has been classified as Pathogenic.

OMIM
Classification: Pathogenic for OSTEOPETROSIS, AUTOSOMAL RECESSIVE 8. Last evaluated: 2013-01-01. Review status: no assertion criteria provided. Collection method: literature only. Allele origin: germline. Not counted in ClinVar's aggregate classification.

Literature cited by the submitters: PubMed 23123320 (cited by Labcorp Genetics (formerly Invitae), Labcorp and OMIM); PubMed 23280965 (cited by Labcorp Genetics (formerly Invitae), Labcorp); PubMed 25811986 (cited by Labcorp Genetics (formerly Invitae), Labcorp).

NM_013322.3(SNX10):c.46C>T (p.Arg16Ter)

Gene: SNX10 (sorting nexin 10; plus strand). Cytogenetic location: 7p15.2.
Variant type: single nucleotide variant.
Coding change: c.46C>T on transcript NM_013322.3 (MANE Select); coding-DNA position 46, C replaced by T.
Protein change: p.Arg16Ter; replaces arginine 16 with a stop codon.
Molecular consequence: nonsense.
Genome position (GRCh38, 1-based): chr7:26,360,996, C>T. VCF-style: chr7-26360996-C-T. GRCh37 (hg19) VCF-style: chr7-26400616-C-T.
Other names: c.46C>T, p.Arg16Ter (NM_001199835.1, NM_001318199.3); c.37C>T, p.Arg13Ter (NM_001199837.3); c.124C>T, p.Arg42Ter (NM_001318198.1, NM_001362753.1, NM_001362754.1); short protein forms R16*, R13*, R42*.
Identifiers: ClinVar variation 139565 (VCV000139565.8), dbSNP rs587777490, ClinGen allele CA163269.